The following is an entry in ClinVar:

NM_000384.3(APOB):c.4421A>G (p.Lys1474Arg)

Gene: APOB (apolipoprotein B; minus strand). Cytogenetic location: 2p24.1.
Variant type: single nucleotide variant.
Coding change: c.4421A>G on transcript NM_000384.3 (MANE Select); coding-DNA position 4421, A replaced by G.
Protein change: p.Lys1474Arg; replaces lysine 1474 with arginine.
Molecular consequence: missense variant.
Genome position (GRCh38, 1-based): chr2:21,012,447, T>C on the plus strand (A>G on the coding strand, the complement: APOB is on the minus strand). VCF-style: chr2-21012447-T-C. GRCh37 (hg19) VCF-style: chr2-21235319-T-C.
Other names: short protein forms K1474R.
Identifiers: ClinVar variation 334143 (VCV000334143.16), dbSNP rs759246439, ClinGen allele CA060985.

ClinVar aggregate classification (germline): Conflicting classifications of pathogenicity. Review status: criteria provided, conflicting classifications (1 of 4 stars). 6 submissions from 5 submitters: Uncertain significance (4); Likely benign (2). Last evaluated 2025-10-19.

Conditions:
Cardiovascular phenotype. Identifiers: MedGen CN230736.
Hypercholesterolemia, autosomal dominant, type B (FHCL2). Also called: Familial hypercholesterolemia 2; Familial Hypercholesterolemia Type B; APOLIPOPROTEIN B-100, FAMILIAL DEFECTIVE; APOLIPOPROTEIN B-100, FAMILIAL LIGAND-DEFECTIVE; HYPERCHOLESTEROLEMIA, FAMILIAL, DUE TO LIGAND-DEFECTIVE APOLIPOPROTEIN B; APOB-Related Familial Hypercholesterolemia, Autosomal Dominant. Identifiers: MedGen C1704417, MONDO:0007751, OMIM 144010.
Familial hypobetalipoproteinemia 1. Also called: Hypobetalipoproteinemia, normotriglyceridemic; Acanthocytosis with hypobetalipoproteinemia; APOB-Related Familial Hypobetalipoproteinemia. Identifiers: MedGen C4551990, MONDO:0014252, OMIM 615558.

Allele frequency attached by ClinVar (database versions not stated): ExAC 0.00002; gnomAD exomes 0.00005 and 0.00009; gnomAD 0.00006 and 0.00007; TOPMed 0.00007.
gnomAD v4.1: 135 of 1,614,078 alleles (0.0084%); highest among the groups gnomAD compares: Admixed American, 0.013%; no homozygotes.

Submissions (6):

Labcorp Genetics (formerly Invitae), Labcorp
Classification: Likely benign for Familial hypobetalipoproteinemia 1; Hypercholesterolemia, autosomal dominant, type B. Last evaluated: 2025-10-19. Review status: criteria provided, single submitter. Criteria: Invitae Variant Classification Sherloc (09022015). Collection method: clinical testing. Allele origin: germline.

Women's Health and Genetics/Laboratory Corporation of America, LabCorp
Classification: Uncertain significance. Last evaluated: 2025-07-29. Review status: criteria provided, single submitter. Criteria: LabCorp Variant Classification Summary - May 2015. Collection method: clinical testing. Allele origin: germline.
Comment: Variant summary: APOB c.4421A>G (p.Lys1474Arg) results in a conservative amino acid change in the encoded protein sequence. Algorithms developed to predict the effect of missense changes on protein structure and function all suggest that this variant is likely to be tolerated. The variant allele was found at a frequency of 4.8e-05 in 251132 control chromosomes. This frequency is not significantly higher than estimated for a pathogenic variant in APOB causing Familial Hypobetalipoproteinemia 1 Recessive, allowing no conclusion about variant significance. To our knowledge, no occurrence of c.4421A>G in individuals affected with Familial Hypobetalipoproteinemia 1 Recessive and no experimental evidence demonstrating its impact on protein function have been reported. ClinVar contains an entry for this variant (Variation ID: 334143). Based on the evidence outlined above, the variant was classified as uncertain significance.

Ambry Genetics
Classification: Likely benign for Cardiovascular phenotype. Last evaluated: 2024-04-22. Review status: criteria provided, single submitter. Criteria: Ambry Variant Classification Scheme 2023. Collection method: clinical testing. Allele origin: germline.

Fulgent Genetics
Classification: Uncertain significance for Hypercholesterolemia, autosomal dominant, type B; Familial hypobetalipoproteinemia 1. Last evaluated: 2021-08-25. Review status: criteria provided, single submitter. Criteria: ACMG Guidelines, 2015. Collection method: clinical testing. Allele origin: unknown.

Illumina Laboratory Services, Illumina
Classification: Uncertain significance for Hypercholesterolemia, autosomal dominant, type B. Last evaluated: 2018-01-13. Review status: criteria provided, single submitter. Criteria: ICSL Variant Classification Criteria 13 December 2019. Collection method: clinical testing. Allele origin: germline.

Illumina Laboratory Services, Illumina
Classification: Uncertain significance for Familial hypobetalipoproteinemia 1. Last evaluated: 2018-01-13. Review status: criteria provided, single submitter. Criteria: ICSL Variant Classification Criteria 13 December 2019. Collection method: clinical testing. Allele origin: germline.